The following is an entry in ClinVar:

NM_013432.5(TONSL):c.3155T>C (p.Leu1052Pro)

Gene: TONSL (tonsoku like, DNA repair protein; minus strand). Cytogenetic location: 8q24.3.
Variant type: single nucleotide variant.
Coding change: c.3155T>C on transcript NM_013432.5 (MANE Select); coding-DNA position 3155, T replaced by C.
Protein change: p.Leu1052Pro; replaces leucine 1052 with proline.
Molecular consequence: missense variant.
Genome position (GRCh38, 1-based): chr8:144,434,210, A>G on the plus strand (T>C on the coding strand, the complement: TONSL is on the minus strand). VCF-style: chr8-144434210-A-G. GRCh37 (hg19) VCF-style: chr8-145659593-A-G.
Other names: short protein forms L1052P.
Identifiers: ClinVar variation 1502211 (VCV001502211.8), dbSNP rs782642873, ClinGen allele CA4942581.

ClinVar aggregate classification (germline): Uncertain significance (1 of 4 stars; one submission).

Allele frequency attached by ClinVar (database versions not stated): gnomAD exomes below 0.00001; TOPMed below 0.00001; ExAC 0.00001.
gnomAD v4.1: 1 of 1,575,648 alleles (0.000063%); highest among the groups gnomAD compares: African/African-American, 0.0013%; no homozygotes.

Submission:

Labcorp Genetics (formerly Invitae), Labcorp
Classification: Uncertain significance. Last evaluated: 2020-11-21. Review status: criteria provided, single submitter. Criteria: Invitae Variant Classification Sherloc (09022015). Collection method: clinical testing. Allele origin: germline.
Comment: In summary, the available evidence is currently insufficient to determine the role of this variant in disease. Therefore, it has been classified as a Variant of Uncertain Significance. Algorithms developed to predict the effect of missense changes on protein structure and function (SIFT, PolyPhen-2, Align-GVGD) all suggest that this variant is likely to be disruptive, but these predictions have not been confirmed by published functional studies and their clinical significance is uncertain. This variant has not been reported in the literature in individuals with TONSL-related conditions. This variant is present in population databases (rs782642873, ExAC 0.01%). This sequence change replaces leucine with proline at codon 1052 of the TONSL protein (p.Leu1052Pro). The leucine residue is highly conserved and there is a moderate physicochemical difference between leucine and proline.